The following is an entry in ClinVar:

NM_001388453.1(QRICH2):c.4705C>T (p.Arg1569Cys)

Gene: QRICH2 (glutamine rich 2; minus strand). Cytogenetic location: 17q25.1.
Variant type: single nucleotide variant.
Coding change: c.4705C>T on transcript NM_001388453.1 (MANE Select); coding-DNA position 4705, C replaced by T.
Protein change: p.Arg1569Cys; replaces arginine 1569 with cysteine.
Molecular consequence: missense variant. On other transcripts: non-coding transcript variant (1).
Genome position (GRCh38, 1-based): chr17:76,280,076, G>A on the plus strand (C>T on the coding strand, the complement: QRICH2 is on the minus strand). VCF-style: chr17-76280076-G-A. GRCh37 (hg19) VCF-style: chr17-74276157-G-A.
Other names: c.4207C>T (NM_032134.2); c.4705C>T, p.Arg1569Cys (NM_032134.3); short protein forms R1569C.
Identifiers: ClinVar variation 1298726 (VCV001298726.36), dbSNP rs146485823, ClinGen allele CA8783435.
Genomic context (GRCh38, chr17:76,280,076, plus strand): 5'-TGCCTCCCAGGCCTCACCTCCGCATGGCAGCCGCCTCGTCTGCCTGGTAGAGTGGGGGGC[G>A]CTCCCTGAGCTGCTGTCGCAGCGATTTCCACCGATCCTCCAGCAACTGCTTCACTGGGTC-3'
Protein context (NP_001375382.1, residues 1559-1579): WKSLRQQLRE[Arg1569Cys]PPLYQADEAA

ClinVar aggregate classification (germline): Uncertain significance. Review status: criteria provided, single submitter (1 of 4 stars). 3 submissions from 3 submitters: Uncertain significance (1). 2 of the submissions do not count toward it. Last evaluated 2021-07-01.

Conditions:
Asthenoteratozoospermia.
QRICH2-related disorder. Also called: QRICH2-related condition.

Allele frequency attached by ClinVar (database versions not stated): 1000 Genomes Project 0.00060; 1000 Genomes Project 30x 0.00062; gnomAD exomes 0.00205 and 0.00215; ExAC 0.00210; gnomAD 0.00210 and 0.00215; ESP Exome Variant Server 0.00216; TOPMed 0.00230.

Submissions (3):

CeGaT Center for Human Genetics Tuebingen
Classification: Uncertain significance. Last evaluated: 2021-07-01. Review status: criteria provided, single submitter. Criteria: CeGaT Center For Human Genetics Tuebingen Variant Classification Criteria Version 2. Collection method: clinical testing. Allele origin: germline. Affected: yes. Observed: 1 variant allele.

Clinical Bioinformatic Lab, Royan Institute
Classification: Pathogenic for asthenoteratozoospermia. Last evaluated: 2024-10-23. Review status: no assertion criteria provided. Collection method: clinical testing. Allele origin: germline. Inheritance: Autosomal recessive inheritance. Affected: yes. Not counted in ClinVar's aggregate classification.

PreventionGenetics, part of Exact Sciences
Classification: Benign for QRICH2-related condition. Last evaluated: 2023-12-19. Review status: no assertion criteria provided. Collection method: clinical testing. Allele origin: germline. Not counted in ClinVar's aggregate classification.
Comment: This variant is classified as benign based on ACMG/AMP sequence variant interpretation guidelines (Richards et al. 2015 PMID: 25741868, with internal and published modifications).

Literature cited by the submitters: PubMed 30683861 (cited by Clinical Bioinformatic Lab, Royan Institute); PubMed 31110204 (cited by Clinical Bioinformatic Lab, Royan Institute); PubMed 31292949 (cited by Clinical Bioinformatic Lab, Royan Institute).